The following is an entry in ClinVar:

ClinVar aggregate classification (germline): Uncertain significance (1 of 4 stars; one submission).

Conditions:
Immunodeficiency 28 (IMD28). Also called: IFNGR2 DEFICIENCY. Identifiers: Orphanet 319547, Orphanet 319574, MedGen C4013947, MONDO:0013953, OMIM 614889.

Submission:

Labcorp Genetics (formerly Invitae), Labcorp
Classification: Uncertain significance for Immunodeficiency 28. Last evaluated: 2022-09-01. Review status: criteria provided, single submitter. Criteria: Invitae Variant Classification Sherloc (09022015). Collection method: clinical testing. Allele origin: germline.
Comment: This variant, c.51_62del, results in the deletion of 4 amino acid(s) of the IFNGR2 protein (p.Ala19_Ala22del), but otherwise preserves the integrity of the reading frame. This variant is present in population databases (no rsID available, gnomAD 0.01%). This variant has not been reported in the literature in individuals affected with IFNGR2-related conditions. ClinVar contains an entry for this variant (Variation ID: 541801). Experimental studies and prediction algorithms are not available or were not evaluated, and the functional significance of this variant is currently unknown. In summary, the available evidence is currently insufficient to determine the role of this variant in disease. Therefore, it has been classified as a Variant of Uncertain Significance.

NM_005534.4(IFNGR2):c.48CGC[1] (p.Ala19_Ala22del)

Genes: IFNGR2 (interferon gamma receptor 2; plus strand), LOC119266102 (IFNGR2 promoter region; plus strand). Cytogenetic location: 21q22.11.
Variant type: Microsatellite.
Coding change: c.48CGC[1] on transcript NM_005534.4 (MANE Select); one copy of the 3-base unit CGC starting at c.48; the reference has five copies in a row; four copies, 12 bases deleted.
Protein change: p.Ala19_Ala22del.
Molecular consequence: inframe deletion.
Genome position (GRCh38, 1-based): chr21:33,403,594-33,403,605, CGCCGCCGCCGC deleted; deleting any 12 consecutive bases within chr21:33,403,591-33,403,605 gives the same sequence; the position shown is the placement nearest the transcript's 3' end. VCF-style (leftmost placement, unchanged base first): chr21-33403590-TCGCCGCCGCCGC-T. GRCh37 (hg19) VCF-style: chr21-34775896-TCGCCGCCGCCGC-T.
Other names: c.48CGC[1], p.Ala19_Ala22del (NM_001329128.2); c.51_62delCGCCGCCGCCGC (NM_005534.3).
Identifiers: ClinVar variation 541801 (VCV000541801.6), dbSNP rs765468464, ClinGen allele CA320132047.